The following is an entry in ClinVar:

NM_198252.3(GSN):c.-9-2090C>G

Gene: GSN (gelsolin; plus strand). Cytogenetic location: 9q33.2.
Variant type: single nucleotide variant.
Coding change: c.-9-2090C>G on transcript NM_198252.3 (MANE Select); 2090 bases into the intron before 9 bases upstream of the start codon, C replaced by G.
Molecular consequence: intron variant. On other transcripts: missense variant (1).
Genome position (GRCh38, 1-based): chr9:121,299,873, C>G. VCF-style: chr9-121299873-C-G. GRCh37 (hg19) VCF-style: chr9-124062151-C-G.
Other names: c.12C>G, p.His4Gln (NM_000177.5); c.-9-2090C>G (NM_001353054.1, NM_001353053.1, NM_001353060.2 and 5 more transcripts); c.-47-183C>G (NM_001353064.2, NM_001353066.2, NM_001353072.2 and 7 more transcripts); c.-1-2098C>G (NM_001353058.2, NM_001353059.2, NM_001353056.2 and 1 more transcripts); c.-38-192C>G (NM_001353073.2, NM_001353065.2, NM_001353068.2 and 2 more transcripts); c.100-2090C>G (NM_001127663.2); c.-32-198C>G (NM_001353070.2); c.-48-2051C>G (NM_001353055.2); and 4 more; short protein forms H4Q.
Identifiers: ClinVar variation 1769341 (VCV001769341.2), dbSNP rs2059610523, ClinGen allele CA374751353.

ClinVar aggregate classification (germline): Uncertain significance (1 of 4 stars; one submission).

Conditions:
Inborn genetic diseases. Identifiers: MedGen C0950123, MeSH D030342.

Allele frequency attached by ClinVar (database versions not stated): TOPMed below 0.00001.

Submission:

Ambry Genetics
Classification: Uncertain significance for Inborn genetic diseases. Last evaluated: 2021-02-05. Review status: criteria provided, single submitter. Criteria: Ambry Variant Classification Scheme 2023. Collection method: clinical testing. Allele origin: germline.
Comment: The p.H4Q variant (also known as c.12C>G), located in coding exon 1 of the GSN gene, results from a C to G substitution at nucleotide position 12. The histidine at codon 4 is replaced by glutamine, an amino acid with highly similar properties. This amino acid position is not well conserved in available vertebrate species, and glutamine is the reference amino acid in other vertebrate species. In addition, this alteration is predicted to be tolerated by in silico analysis. Since supporting evidence is limited at this time, the clinical significance of this alteration remains unclear.